The following is an entry in ClinVar:

NM_194292.3(SASS6):c.1835G>A (p.Arg612His)

Gene: SASS6 (SAS-6 centriolar assembly protein; minus strand). Cytogenetic location: 1p21.2.
Variant type: single nucleotide variant.
Coding change: c.1835G>A on transcript NM_194292.3 (MANE Select); coding-DNA position 1835, G replaced by A.
Protein change: p.Arg612His; replaces arginine 612 with histidine.
Molecular consequence: missense variant.
Genome position (GRCh38, 1-based): chr1:100,085,568, C>T on the plus strand (G>A on the coding strand, the complement: SASS6 is on the minus strand). VCF-style: chr1-100085568-C-T. GRCh37 (hg19) VCF-style: chr1-100551124-C-T.
Other names: c.1334G>A, p.Arg445His (NM_001304829.2); short protein forms R445H, R612H.
Identifiers: ClinVar variation 734406 (VCV000734406.14), dbSNP rs143522528, ClinGen allele CA968133.

ClinVar aggregate classification (germline): Benign/Likely benign. Review status: criteria provided, multiple submitters, no conflicts (2 of 4 stars). 5 submissions from 5 submitters: Benign (3); Likely benign (2). Last evaluated 2026-03-01.

Conditions:
SASS6-related disorder. Also called: SASS6-related condition.
Microcephaly 14, primary, autosomal recessive. Identifiers: Orphanet 2512, MedGen C4225338, MONDO:0014623, OMIM 616402.

Allele frequency attached by ClinVar (database versions not stated): gnomAD exomes 0.00090; ExAC 0.00112; 1000 Genomes Project 0.00300; gnomAD 0.00325 and 0.00356; TOPMed 0.00342; 1000 Genomes Project 30x 0.00344; ESP Exome Variant Server 0.00469.
gnomAD v4.1: 958 of 1,613,164 alleles (0.059%); highest among the groups gnomAD compares: African/African-American, 1.1%; 5 homozygotes.

Submissions (5):

CeGaT Center for Human Genetics Tuebingen
Classification: Likely benign. Last evaluated: 2026-03-01. Review status: criteria provided, single submitter. Criteria: CeGaT Center For Human Genetics Tuebingen Variant Classification Criteria Version 2. Collection method: clinical testing. Allele origin: germline. Affected: yes. Observed: 1 variant allele.
Comment: SASS6: BS1

PreventionGenetics, part of Exact Sciences
Classification: Likely benign for SASS6-related condition. Last evaluated: 2025-02-13. Review status: criteria provided, single submitter. Criteria: ACMG Guidelines, 2015. Collection method: clinical testing. Allele origin: germline.
Comment: This variant is classified as likely benign based on ACMG/AMP sequence variant interpretation guidelines (Richards et al. 2015 PMID: 25741868, with internal and published modifications).

Genome-Nilou Lab
Classification: Benign for Microcephaly 14, primary, autosomal recessive. Last evaluated: 2023-04-11. Review status: criteria provided, single submitter. Criteria: ACMG Guidelines, 2015. Collection method: clinical testing. Allele origin: germline. Affected: no.

Labcorp Genetics (formerly Invitae), Labcorp
Classification: Benign. Last evaluated: 2019-12-31. Review status: criteria provided, single submitter. Criteria: Invitae Variant Classification Sherloc (09022015). Collection method: clinical testing. Allele origin: germline.

Genetic Services Laboratory, University of Chicago
Classification: Benign. Last evaluated: 2017-08-14. Review status: criteria provided, single submitter. Criteria: ACMG Guidelines, 2015. Collection method: clinical testing. Allele origin: germline. Affected: no.